The following is an entry in ClinVar:

ClinVar aggregate classification (germline): Uncertain significance (1 of 4 stars; one submission).

Submission:

GeneDx
Classification: Uncertain significance. Last evaluated: 2022-08-08. Review status: criteria provided, single submitter. Criteria: GeneDx Variant Classification Process June 2021. Collection method: clinical testing. Allele origin: germline. Affected: yes.
Comment: Not observed at significant frequency in large population cohorts (gnomAD); In silico analysis supports that this missense variant does not alter protein structure/function; Has not been previously published as pathogenic or benign to our knowledge

NM_001792.5(CDH2):c.230C>A (p.Ala77Glu)

Gene: CDH2 (cadherin 2; minus strand). Cytogenetic location: 18q12.1.
Variant type: single nucleotide variant.
Coding change: c.230C>A on transcript NM_001792.5 (MANE Select); coding-DNA position 230, C replaced by A.
Protein change: p.Ala77Glu; replaces alanine 77 with glutamic acid.
Molecular consequence: missense variant.
Genome position (GRCh38, 1-based): chr18:28,013,852, G>T on the plus strand (C>A on the coding strand, the complement: CDH2 is on the minus strand). VCF-style: chr18-28013852-G-T. GRCh37 (hg19) VCF-style: chr18-25593816-G-T.
Other names: c.137C>A, p.Ala46Glu (NM_001308176.2); short protein forms A46E, A77E.
Identifiers: ClinVar variation 2429611 (VCV002429611.1), dbSNP rs2510818969, ClinGen allele CA402244585.